The following is an entry in ClinVar:

NM_004977.3(KCNC3):c.1609G>A (p.Val537Ile)

Gene: KCNC3 (potassium voltage-gated channel subfamily C member 3; minus strand). Cytogenetic location: 19q13.33.
Variant type: single nucleotide variant.
Coding change: c.1609G>A on transcript NM_004977.3 (MANE Select); coding-DNA position 1609, G replaced by A.
Protein change: p.Val537Ile; replaces valine 537 with isoleucine.
Molecular consequence: missense variant.
Genome position (GRCh38, 1-based): chr19:50,323,344, C>T on the plus strand (G>A on the coding strand, the complement: KCNC3 is on the minus strand). VCF-style: chr19-50323344-C-T. GRCh37 (hg19) VCF-style: chr19-50826601-C-T.
Other names: c.1381G>A, p.Val461Ile (NM_001372305.1); short protein forms V461I, V537I.
Identifiers: ClinVar variation 2684249 (VCV002684249.1), dbSNP rs2513799066, ClinGen allele CA406950595.

ClinVar aggregate classification (germline): Uncertain significance (1 of 4 stars; one submission).

Allele frequency attached by ClinVar (database versions not stated): gnomAD exomes below 0.00001.
gnomAD v4.1: 1 of 1,614,142 alleles (0.000062%); highest among the groups gnomAD compares: South Asian, 0.0011%; no homozygotes.

Submission:

Athena Diagnostics
Classification: Uncertain significance. Last evaluated: 2022-12-27. Review status: criteria provided, single submitter. Criteria: Athena Diagnostics Criteria. Collection method: clinical testing. Allele origin: unknown.
Comment: Available data are insufficient to determine the clinical significance of the variant at this time. This variant has not been reported in large, multi-ethnic general populations. Computational tools disagree on the variant's effect on normal protein function.